The following is an entry in ClinVar:

ClinVar aggregate classification (germline): Pathogenic/Likely pathogenic. Review status: criteria provided, multiple submitters, no conflicts (2 of 4 stars). 14 submissions from 14 submitters: Pathogenic (11); Likely pathogenic (1). 2 of the submissions do not count toward it. Last evaluated 2025-06-09.

Conditions:
COL2A1-related disorder. Also called: COL2A1-related condition; COL2A1-related disorders.
Achondrogenesis type II (ACG2). Also called: ACHONDROGENESIS, LANGER-SALDINO TYPE; CHONDROGENESIS IMPERFECTA. Identifiers: Orphanet 932, Orphanet 93296, MedGen C0220685, MONDO:0008702, OMIM 200610.
Spondyloepiphyseal dysplasia with metatarsal shortening. Also called: CZECH DYSPLASIA, METATARSAL TYPE; SPONDYLOEPIPHYSEAL DYSPLASIA WITH PRECOCIOUS OSTEOARTHRITIS; Pseudorheumatoid dysplasia progressive, with hypoplastic toes. Identifiers: Orphanet 137678, MedGen C1836683, MONDO:0012206, OMIM 609162.
Platyspondylic dysplasia, Torrance type (PLSDT). Identifiers: Orphanet 85166, MedGen C1835437, MONDO:0007895, OMIM 151210.
Stickler syndrome type 1 (STL1). Also called: ARTHROOPHTHALMOPATHY, HEREDITARY PROGRESSIVE; COL2A1-Related Stickler Syndrome; STICKLER SYNDROME, MEMBRANOUS VITREOUS TYPE; STICKLER SYNDROME, VITREOUS TYPE 1. Identifiers: Orphanet 828, Orphanet 90653, MedGen C2020284, MONDO:0007160, OMIM 108300.
Spondyloperipheral dysplasia. Also called: SPONDYLOPERIPHERAL DYSPLASIA WITH SHORT ULNA; Spondyloperipheral dysplasia-short ulna syndrome. Identifiers: Orphanet 1856, MedGen C0796173, MONDO:0010078, OMIM 271700.
Namaqualand hip dysplasia (OSCDP). Also called: Mild spondyloepiphyseal dysplasia due to COL2A1 mutation with early-onset osteoarthritis. Identifiers: Orphanet 93279, MedGen C0432214, MONDO:0011496, OMIM 604864.
Legg-Calve-Perthes disease. Also called: Avascular necrosis of the capital femoral epiphysis; PERTHES DISEASE; Osteochondritis deformans; Coxa plana. Identifiers: Orphanet 2380, MedGen C1442965, MONDO:0007885, OMIM 150600, HP:0005743.
Spondyloepiphyseal dysplasia congenita (SEDC). Also called: SED CONGENITA; SPONDYLOEPIPHYSEAL DYSPLASIA, CONGENITAL TYPE. Identifiers: Orphanet 94068, MedGen C2745959, MONDO:0008471, OMIM 183900.
Multiple epiphyseal dysplasia, Beighton type. Identifiers: Orphanet 166011, MedGen C1851536, MONDO:0007562, OMIM 132450.
Stickler syndrome, type I, nonsyndromic ocular. Also called: STICKLER SYNDROME, TYPE I, PREDOMINANTLY OCULAR; STICKLER SYNDROME, ATYPICAL. Identifiers: MedGen C1836080, MONDO:0012287, OMIM 609508.
Spondylometaphyseal dysplasia. Identifiers: Orphanet 254, MedGen C4759767, MONDO:0016763, HP:0002657.
Spondyloepiphyseal dysplasia, Stanescu type. Also called: SED, STANESCU TYPE; SPONDYLOEPIMETAPHYSEAL DYSPLASIA, STANESCU TYPE. Identifiers: Orphanet 459051, MedGen C4225273, MONDO:0014701, OMIM 616583.
Kniest dysplasia. Identifiers: Orphanet 485, MedGen C0265279, MONDO:0007987, OMIM 156550.
Avascular necrosis of femoral head, primary, 1 (ANFH1). Also called: Avascular necrosis of femoral head, primary. Identifiers: Orphanet 86820, MedGen C4551562, MONDO:0054550, OMIM 608805.

Allele frequency attached by ClinVar (database versions not stated): gnomAD exomes below 0.00001.
gnomAD v4.1: 1 of 1,614,030 alleles (0.000062%); highest among the groups gnomAD compares: Non-Finnish European, 0.000085%; no homozygotes.

Submissions (14):

Labcorp Genetics (formerly Invitae), Labcorp
Classification: Pathogenic. Last evaluated: 2025-06-09. Review status: criteria provided, single submitter. Criteria: Invitae Variant Classification Sherloc (09022015). Collection method: clinical testing. Allele origin: germline.
Comment: This sequence change replaces arginine, which is basic and polar, with cysteine, which is neutral and slightly polar, at codon 989 of the COL2A1 protein (p.Arg989Cys). This variant is not present in population databases (gnomAD no frequency). This missense change has been observed in individuals with autosomal dominant spondyloepiphyseal dysplasia congenita (PMID: 8325895, 21924244, 25735649). It has also been observed to segregate with disease in related individuals. This variant is also known as R789C. ClinVar contains an entry for this variant (Variation ID: 17366). Invitae Evidence Modeling of protein sequence and biophysical properties (such as structural, functional, and spatial information, amino acid conservation, physicochemical variation, residue mobility, and thermodynamic stability) indicates that this missense variant is expected to disrupt COL2A1 protein function with a positive predictive value of 95%. Experimental studies have shown that this missense change affects COL2A1 function (PMID: 21472893). For these reasons, this variant has been classified as Pathogenic.

Dasa
Classification: Pathogenic. Last evaluated: 2025-03-18. Review status: criteria provided, single submitter. Criteria: DASA Assertion Criteria. Collection method: clinical testing. Allele origin: germline.
Comment: NM_001844.5(COL2A1):c.2965C>T (p.Arg989Cys) is a missense variant that results in the substitution of arginine with cysteine. Segregation evidence has been reported in affected families. Functional evidence supports a deleterious effect on the gene or gene product (PMID: 8325895; PMID: 21924244; PMID: 25735649). This variant has been recurrently observed in individuals with related phenotype (PMID: 8325895; PMID: 21924244; PMID: 25735649). Multiple computational predictions support a deleterious effect on the gene or gene product. The variant is present at low frequency in population datasets. Based on the available data, this variant is classified as pathogenic.

3billion
Classification: Pathogenic for Spondyloperipheral dysplasia. Last evaluated: 2025-01-30. Review status: criteria provided, single submitter. Criteria: ACMG Guidelines, 2015. Collection method: clinical testing. Allele origin: germline. Affected: yes.
Comment: The variant is observed at an extremely low frequency in the gnomAD v4.1.0 dataset (total allele frequency: <0.001%). Predicted Consequence/Location: The variant is located in a mutational hot spot and/or well-established functional domain in which established pathogenic variants have been reported (PMID: 26626311). In silico tool predictions suggest damaging effect of the variant on gene or gene product [REVEL: 0.95 (>=0.6, sensitivity 0.68 and specificity 0.92); 3Cnet: 0.41 (>=0.6, sensitivity 0.72 and precision 0.9)]. The same nucleotide change resulting in the same amino acid change has been previously reported as pathogenic/likely pathogenic with strong evidence (ClinVar ID: VCV000017366 /PMID: 8325895 /3billion dataset). The variant has been observed in multiple (>3) similarly affected unrelated individuals (PMID: 21924244, 25735649, 8325895). The variant has been reported to co-segregate with the disease in at least 3 similarly affected relatives/individuals in the same family or similarly affected unrelated families (PMID: 21924244). A different missense change at the same codon (p.Arg989Gly) has been reported to be associated with COL2A1-related disorder (PMID: 33908178). Therefore, this variant is classified as Pathogenic according to the recommendation of ACMG/AMP guideline.

Baylor Genetics
Classification: Pathogenic for Spondyloepiphyseal dysplasia congenita. Last evaluated: 2024-03-26. Review status: criteria provided, single submitter. Criteria: ACMG Guidelines, 2015. Collection method: clinical testing. Allele origin: unknown.

GeneDx
Classification: Pathogenic. Last evaluated: 2022-09-12. Review status: criteria provided, single submitter. Criteria: GeneDx Variant Classification Process June 2021. Collection method: clinical testing. Allele origin: germline. Affected: yes.
Comment: Functional studies using an inducible expression system for expressing p.(R989C) showed that even a small amount of the R989C mutant collagen would induce aberrations in the cell/matrix systems (Jensen et al., 2011); Located in the triple helical domain, a region of the protein in which cysteine residues are typically excluded (HGMD); Not observed at significant frequency in large population cohorts (gnomAD); In silico analysis supports that this missense variant has a deleterious effect on protein structure/function; This variant is associated with the following publications: (PMID: 16155195, 9101290, 35250876, 25735649, 8325895, 21924244, 15895462, 7752132, 29354277, 21472893)

Blueprint Genetics
Classification: Pathogenic for COL2A1-related disorders. Last evaluated: 2022-07-11. Review status: criteria provided, single submitter. Criteria: ACMG Guidelines, 2015. Collection method: clinical testing. Allele origin: germline. Affected: yes. Observed: 3 variant alleles.

MGZ Medical Genetics Center
Classification: Pathogenic for Spondyloperipheral dysplasia. Last evaluated: 2022-06-14. Review status: criteria provided, single submitter. Criteria: ACMG Guidelines, 2015. Collection method: clinical testing. Allele origin: germline. Affected: yes. Observed: 1 variant allele.
Comment: ACMG criteria applied: PS1, PS4, PM2_SUP, PP1, PP2, PP3

CeGaT Center for Human Genetics Tuebingen
Classification: Pathogenic. Last evaluated: 2022-02-01. Review status: criteria provided, single submitter. Criteria: CeGaT Center For Human Genetics Tuebingen Variant Classification Criteria Version 2. Collection method: clinical testing. Allele origin: germline. Affected: yes. Observed: 1 variant allele.

Institute of Human Genetics Munich, TUM University Hospital
Classification: Pathogenic for Spondyloperipheral dysplasia. Last evaluated: 2019-05-27. Review status: criteria provided, single submitter. Criteria: Classification criteria August 2017. Collection method: clinical testing. Allele origin: de novo. Inheritance: Autosomal dominant inheritance. Affected: yes. Observed: 1 heterozygote.

Fulgent Genetics
Classification: Pathogenic for Stickler syndrome type 1; Multiple epiphyseal dysplasia, Beighton type; Legg-Calve-Perthes disease; Platyspondylic dysplasia, Torrance type; Kniest dysplasia; Spondyloepiphyseal dysplasia congenita; Spondyloepimetaphyseal dysplasia, Strudwick type; Achondrogenesis type II; Spondyloperipheral dysplasia; Namaqualand hip dysplasia; Avascular necrosis of femoral head, primary, 1; Spondyloepiphyseal dysplasia with metatarsal shortening; Stickler syndrome, type I, nonsyndromic ocular; Spondyloepiphyseal dysplasia, Stanescu type. Last evaluated: 2018-10-31. Review status: criteria provided, single submitter. Criteria: ACMG Guidelines, 2015. Collection method: clinical testing. Allele origin: unknown.

Clinical Biomedical Laboratory, Shriners Hospital For Children - Canada
Classification: Pathogenic for Spondyloepiphyseal dysplasia congenita. Review status: criteria provided, single submitter. Criteria: ACMG Guidelines, 2015. Collection method: clinical testing. Allele origin: germline. Affected: yes.
Comment: This variant is predicted to substitute an arginine residue by a cysteine residue in COL2A1. This variant is absent in the Genome Aggregation Database (gnomAD v2.1.1), indicating it is very rare. Computational tools (REVEL: 0.95) suggest that the amino acid change is deleterious to protein function. The gene is associated with spondyloepiphyseal dysplasia congenita, which corresponds to the clinical diagnosis of the proband. This variant has been reported as a cause of spondyloepiphyseal dysplasia congenita in multiple publications (e.g. PMID 25735649). Based on the ACMG variant interpretation guidelines (criteria: PS3, PM2, PM5, PP2, PP3), the available evidence supports classification of this variant as pathogenic.

Suma Genomics
Classification: Likely pathogenic for Spondyloepiphyseal dysplasia congenita. Review status: criteria provided, single submitter. Criteria: ACMG Guidelines, 2015. Collection method: clinical testing. Allele origin: germline. Inheritance: Autosomal dominant inheritance. Affected: yes. Observed: 1 heterozygote.

OMIM
Classification: Pathogenic for SPONDYLOEPIPHYSEAL DYSPLASIA CONGENITA. Last evaluated: 1997-01-01. Review status: no assertion criteria provided. Collection method: literature only. Allele origin: germline. Not counted in ClinVar's aggregate classification.

Kasturba Medical College, Manipal, Kasturba Medical College, Manipal, Manipal Academy of Higher Education, Manipal, India
Classification: Pathogenic for Spondyloepiphyseal dysplasia congenita. Review status: no assertion criteria provided. Collection method: clinical testing. Allele origin: maternal. Affected: yes. Not counted in ClinVar's aggregate classification.

Literature cited by the submitters: PubMed 8325895 (cited by 5 submitters); PubMed 21924244 (cited by 3 submitters); PubMed 25735649 (cited by 3 submitters); PubMed 21472893 (cited by Labcorp Genetics (formerly Invitae), Labcorp); PubMed 33908178 (cited by 3billion); PubMed 7752132 (cited by OMIM); PubMed 9101290 (cited by OMIM).

NM_001844.5(COL2A1):c.2965C>T (p.Arg989Cys)

Gene: COL2A1 (collagen type II alpha 1 chain; minus strand). Cytogenetic location: 12q13.11.
Variant type: single nucleotide variant.
Coding change: c.2965C>T on transcript NM_001844.5 (MANE Select); coding-DNA position 2965, C replaced by T.
Protein change: p.Arg989Cys; replaces arginine 989 with cysteine.
Molecular consequence: missense variant.
Genome position (GRCh38, 1-based): chr12:47,978,329, G>A on the plus strand (C>T on the coding strand, the complement: COL2A1 is on the minus strand). VCF-style: chr12-47978329-G-A. GRCh37 (hg19) VCF-style: chr12-48372112-G-A.
Other names: R789C; c.2758C>T, p.Arg920Cys (NM_033150.3); short protein forms R920C, R989C.
Identifiers: ClinVar variation 17366 (VCV000017366.58), dbSNP rs121912874, ClinGen allele CA250676.